The following is an entry in ClinVar:

NM_001365999.1(SZT2):c.5669C>T (p.Pro1890Leu)

Gene: SZT2 (SZT2 subunit of KICSTOR complex; plus strand). Cytogenetic location: 1p34.2.
Variant type: single nucleotide variant.
Coding change: c.5669C>T on transcript NM_001365999.1 (MANE Select); coding-DNA position 5669, C replaced by T.
Protein change: p.Pro1890Leu; replaces proline 1890 with leucine.
Molecular consequence: missense variant.
Genome position (GRCh38, 1-based): chr1:43,433,055, C>T. VCF-style: chr1-43433055-C-T. GRCh37 (hg19) VCF-style: chr1-43898726-C-T.
Other names: c.5498C>T, p.Pro1833Leu (NM_015284.4); short protein forms P1833L, P1890L.
Identifiers: ClinVar variation 2230510 (VCV002230510.2), dbSNP rs1250887930, ClinGen allele CA340026098.

ClinVar aggregate classification (germline): Uncertain significance (1 of 4 stars; one submission).

Conditions:
Inborn genetic diseases. Identifiers: MedGen C0950123, MeSH D030342.

gnomAD v4.1: 2 of 1,614,144 alleles (0.00012%); highest among the groups gnomAD compares: Middle Eastern, 0.017%; no homozygotes.

Submission:

Ambry Genetics
Classification: Uncertain significance for Inborn genetic diseases. Last evaluated: 2021-03-25. Review status: criteria provided, single submitter. Criteria: Ambry Variant Classification Scheme 2023. Collection method: clinical testing. Allele origin: germline.
Comment: The c.5498C>T (p.P1833L) alteration is located in exon 39 (coding exon 39) of the SZT2 gene. This alteration results from a C to T substitution at nucleotide position 5498, causing the proline (P) at amino acid position 1833 to be replaced by a leucine (L). The p.P1833L alteration is predicted to be tolerated by in silico analysis. Based on insufficient or conflicting evidence, the clinical significance of this alteration remains unclear.